The following is an entry in ClinVar:

NM_001367561.1(DOCK7):c.38+6T>C

Genes: DOCK7 (dedicator of cytokinesis 7; minus strand), LOC129930655 (ATAC-STARR-seq lymphoblastoid silent region 946; plus strand). Cytogenetic location: 1p31.3.
Variant type: single nucleotide variant.
Coding change: c.38+6T>C on transcript NM_001367561.1 (MANE Select); 6 bases into the intron after coding-DNA position 38, T replaced by C.
Molecular consequence: intron variant.
Genome position (GRCh38, 1-based): chr1:62,688,221, A>G on the plus strand (T>C on the coding strand, the complement: DOCK7 is on the minus strand). VCF-style: chr1-62688221-A-G. GRCh37 (hg19) VCF-style: chr1-63153892-A-G.
Other names: c.38+6T>C (NM_001272001.2, NM_001272000.2, NM_033407.4 and 4 more transcripts).
Identifiers: ClinVar variation 660827 (VCV000660827.10), dbSNP rs1029588198, ClinGen allele CA24031492.

ClinVar aggregate classification (germline): Uncertain significance. Review status: criteria provided, multiple submitters, no conflicts (2 of 4 stars). 4 submissions from 4 submitters: Uncertain significance (4). Last evaluated 2023-04-11.

Conditions:
Developmental and epileptic encephalopathy, 23 (DEE23). Also called: Epileptic encephalopathy, early infantile, 23. Identifiers: Orphanet 411986, MedGen C4014492, MONDO:0014371, OMIM 615859.
Inborn genetic diseases. Identifiers: MedGen C0950123, MeSH D030342.

Allele frequency attached by ClinVar (database versions not stated): gnomAD 0.00001 and 0.00002; gnomAD exomes 0.00001 and 0.00017; TOPMed 0.00009.
gnomAD v4.1: 18 of 1,377,846 alleles (0.0013%); highest among the groups gnomAD compares: Admixed American, 0.048%; no homozygotes.

Submissions (4):

Genome-Nilou Lab
Classification: Uncertain significance for Developmental and epileptic encephalopathy, 23. Last evaluated: 2023-04-11. Review status: criteria provided, single submitter. Criteria: ACMG Guidelines, 2015. Collection method: clinical testing. Allele origin: germline. Affected: no.

Labcorp Genetics (formerly Invitae), Labcorp
Classification: Uncertain significance for Developmental and epileptic encephalopathy, 23. Last evaluated: 2022-10-03. Review status: criteria provided, single submitter. Criteria: Invitae Variant Classification Sherloc (09022015). Collection method: clinical testing. Allele origin: germline.
Comment: This sequence change falls in intron 1 of the DOCK7 gene. It does not directly change the encoded amino acid sequence of the DOCK7 protein. It affects a nucleotide within the consensus splice site. This variant is present in population databases (no rsID available, gnomAD 0.1%). This variant has not been reported in the literature in individuals affected with DOCK7-related conditions. ClinVar contains an entry for this variant (Variation ID: 660827). Variants that disrupt the consensus splice site are a relatively common cause of aberrant splicing (PMID: 17576681, 9536098). Algorithms developed to predict the effect of sequence changes on RNA splicing suggest that this variant is not likely to affect RNA splicing. In summary, the available evidence is currently insufficient to determine the role of this variant in disease. Therefore, it has been classified as a Variant of Uncertain Significance.

Ambry Genetics
Classification: Uncertain significance for Inborn genetic diseases. Last evaluated: 2022-03-02. Review status: criteria provided, single submitter. Criteria: Ambry Variant Classification Scheme 2023. Collection method: clinical testing. Allele origin: germline.
Comment: The c.38+6T>C intronic alteration consists of a T to C substitution 6 nucleotides after exon 1 of the DOCK7 gene. Based on insufficient or conflicting evidence, the clinical significance of this alteration remains unclear.

Knight Diagnostic Laboratories, Oregon Health and Sciences University
Classification: Uncertain significance for Epileptic encephalopathy, early infantile, 23. Last evaluated: 2019-09-06. Review status: criteria provided, single submitter. Criteria: ACMG Guidelines, 2015. Collection method: clinical testing. Allele origin: germline. Observed: 1 variant allele.

Literature cited by the submitters: PubMed 17576681 (cited by Labcorp Genetics (formerly Invitae), Labcorp); PubMed 9536098 (cited by Labcorp Genetics (formerly Invitae), Labcorp).